The following is an entry in ClinVar:

ClinVar aggregate classification (germline): Uncertain significance (1 of 4 stars; one submission).

Conditions:
Inborn genetic diseases. Identifiers: MedGen C0950123, MeSH D030342.

Allele frequency attached by ClinVar (database versions not stated): TOPMed below 0.00001; gnomAD 0.00001; gnomAD exomes 0.00001.
gnomAD v4.1: 4 of 1,613,384 alleles (0.00025%); highest among the groups gnomAD compares: African/African-American, 0.0027%; no homozygotes.

Submission:

Ambry Genetics
Classification: Uncertain significance for Inborn genetic diseases. Last evaluated: 2022-01-11. Review status: criteria provided, single submitter. Criteria: Ambry Variant Classification Scheme 2023. Collection method: clinical testing. Allele origin: germline.
Comment: The p.D319Y variant (also known as c.955G>T), located in coding exon 8 of the ACD gene, results from a G to T substitution at nucleotide position 955. The aspartic acid at codon 319 is replaced by tyrosine, an amino acid with highly dissimilar properties. This amino acid position is conserved. In addition, this alteration is predicted to be tolerated by in silico analysis. Since supporting evidence is limited at this time, the clinical significance of this alteration remains unclear.

NM_001082486.2(ACD):c.697G>T (p.Asp233Tyr)

Gene: ACD (ACD shelterin complex subunit and telomerase recruitment factor; minus strand). Cytogenetic location: 16q22.1.
Variant type: single nucleotide variant.
Coding change: c.697G>T on transcript NM_001082486.2 (MANE Select); coding-DNA position 697, G replaced by T.
Protein change: p.Asp233Tyr; replaces aspartic acid 233 with tyrosine.
Molecular consequence: missense variant.
Genome position (GRCh38, 1-based): chr16:67,658,765, C>A on the plus strand (G>T on the coding strand, the complement: ACD is on the minus strand). VCF-style: chr16-67658765-C-A. GRCh37 (hg19) VCF-style: chr16-67692668-C-A.
Other names: c.697G>T, p.Asp233Tyr (NM_001410884.1); c.688G>T, p.Asp230Tyr (NM_022914.3); short protein forms D230Y, D233Y.
Identifiers: ClinVar variation 1767387 (VCV001767387.2), dbSNP rs1441001313, ClinGen allele CA396353559.